The following is an entry in ClinVar:

NM_001003800.2(BICD2):c.410C>T (p.Ser137Leu)

Gene: BICD2 (BICD cargo adaptor 2; minus strand). Cytogenetic location: 9q22.31.
Variant type: single nucleotide variant.
Coding change: c.410C>T on transcript NM_001003800.2 (MANE Select); coding-DNA position 410, C replaced by T.
Protein change: p.Ser137Leu; replaces serine 137 with leucine.
Molecular consequence: missense variant.
Genome position (GRCh38, 1-based): chr9:92,729,067, G>A on the plus strand (C>T on the coding strand, the complement: BICD2 is on the minus strand). VCF-style: chr9-92729067-G-A. GRCh37 (hg19) VCF-style: chr9-95491349-G-A.
Other names: c.410C>T, p.Ser137Leu (NM_015250.4); short protein forms S137L.
Identifiers: ClinVar variation 841812 (VCV000841812.35), dbSNP rs779298360, ClinGen allele CA5126826.

ClinVar aggregate classification (germline): Conflicting classifications of pathogenicity. Review status: criteria provided, conflicting classifications (1 of 4 stars). 3 submissions from 3 submitters: Uncertain significance (2); Likely benign (1). Last evaluated 2025-09-01.

Conditions:
Inborn genetic diseases. Identifiers: MedGen C0950123, MeSH D030342.
Autosomal dominant childhood-onset proximal spinal muscular atrophy with contractures (SMALED2A). Also called: Spinal muscular atrophy, lower extremity-predominant, 2A, autosomal dominant; SPINAL MUSCULAR ATROPHY, LOWER EXTREMITY-PREDOMINANT, 2A, CHILDHOOD ONSET, AUTOSOMAL DOMINANT. Identifiers: Orphanet 363447, Orphanet 363454, MedGen C4747715, MONDO:0014121, OMIM 615290.

Allele frequency attached by ClinVar (database versions not stated): gnomAD exomes 0.00001; ExAC 0.00002; gnomAD 0.00002; TOPMed 0.00002.
gnomAD v4.1: 13 of 1,614,054 alleles (0.00081%); highest among the groups gnomAD compares: South Asian, 0.0033%; no homozygotes.

Submissions (3):

Ambry Genetics
Classification: Uncertain significance for Inborn genetic diseases. Last evaluated: 2025-09-01. Review status: criteria provided, single submitter. Criteria: Ambry Variant Classification Scheme 2023. Collection method: clinical testing. Allele origin: germline.

Labcorp Genetics (formerly Invitae), Labcorp
Classification: Likely benign for Autosomal dominant childhood-onset proximal spinal muscular atrophy with contractures. Last evaluated: 2024-10-21. Review status: criteria provided, single submitter. Criteria: Invitae Variant Classification Sherloc (09022015). Collection method: clinical testing. Allele origin: germline.

CeGaT Center for Human Genetics Tuebingen
Classification: Uncertain significance. Last evaluated: 2022-11-01. Review status: criteria provided, single submitter. Criteria: CeGaT Center For Human Genetics Tuebingen Variant Classification Criteria Version 2. Collection method: clinical testing. Allele origin: germline. Affected: yes. Observed: 1 variant allele.
Comment: BICD2: PM2